The following is an entry in ClinVar:

ClinVar aggregate classification (germline): Uncertain significance. Review status: criteria provided, multiple submitters, no conflicts (2 of 4 stars). 3 submissions from 3 submitters: Uncertain significance (2). 1 of the submissions does not count toward it. Last evaluated 2022-10-22.

Conditions:
DNAH9-related disorder. Also called: DNAH9-related condition.

Allele frequency attached by ClinVar (database versions not stated): ExAC 0.00002; gnomAD exomes 0.00002 and 0.00004; gnomAD 0.00004 and 0.00005; TOPMed 0.00008; 1000 Genomes Project 0.00020; 1000 Genomes Project 30x 0.00031.
gnomAD v4.1: 20 of 1,613,370 alleles (0.0012%); highest among the groups gnomAD compares: Admixed American, 0.03%; no homozygotes.

Submissions (3):

Blueprint Genetics
Classification: Uncertain significance. Last evaluated: 2022-10-22. Review status: criteria provided, single submitter. Criteria: ACMG Guidelines, 2015. Collection method: clinical testing. Allele origin: germline.

Labcorp Genetics (formerly Invitae), Labcorp
Classification: Uncertain significance. Last evaluated: 2021-12-12. Review status: criteria provided, single submitter. Criteria: Invitae Variant Classification Sherloc (09022015). Collection method: clinical testing. Allele origin: germline.
Comment: This sequence change replaces valine, which is neutral and non-polar, with isoleucine, which is neutral and non-polar, at codon 790 of the DNAH9 protein (p.Val790Ile). This variant is present in population databases (rs200234366, gnomAD 0.03%). This variant has not been reported in the literature in individuals affected with DNAH9-related conditions. Algorithms developed to predict the effect of missense changes on protein structure and function output the following: SIFT: "Tolerated"; PolyPhen-2: "Benign"; Align-GVGD: "Class C0". The isoleucine amino acid residue is found in multiple mammalian species, which suggests that this missense change does not adversely affect protein function. In summary, the available evidence is currently insufficient to determine the role of this variant in disease. Therefore, it has been classified as a Variant of Uncertain Significance.

PreventionGenetics, part of Exact Sciences
Classification: Uncertain significance for DNAH9-related condition. Last evaluated: 2024-01-11. Review status: no assertion criteria provided. Collection method: clinical testing. Allele origin: germline. Not counted in ClinVar's aggregate classification.
Comment: The DNAH9 c.2368G>A variant is predicted to result in the amino acid substitution p.Val790Ile. To our knowledge, this variant has not been reported in the literature. This variant is reported in 0.031% of alleles in individuals of Latino descent in gnomAD. At this time, the clinical significance of this variant is uncertain due to the absence of conclusive functional and genetic evidence.

NM_001372.4(DNAH9):c.2368G>A (p.Val790Ile)

Gene: DNAH9 (dynein axonemal heavy chain 9; plus strand). Cytogenetic location: 17p12.
Variant type: single nucleotide variant.
Coding change: c.2368G>A on transcript NM_001372.4 (MANE Select); coding-DNA position 2368, G replaced by A.
Protein change: p.Val790Ile; replaces valine 790 with isoleucine.
Molecular consequence: missense variant.
Genome position (GRCh38, 1-based): chr17:11,652,775, G>A. VCF-style: chr17-11652775-G-A. GRCh37 (hg19) VCF-style: chr17-11556092-G-A.
Other names: c.2368G>A (NM_001372.3); short protein forms V790I.
Identifiers: ClinVar variation 1356105 (VCV001356105.6), dbSNP rs200234366, ClinGen allele CA8395168.